The following is an entry in ClinVar:

NM_002972.4(SBF1):c.5629C>T (p.Pro1877Ser)

Gene: SBF1 (SET binding factor 1; minus strand). Cytogenetic location: 22q13.33.
Variant type: single nucleotide variant.
Coding change: c.5629C>T on transcript NM_002972.4 (MANE Select); coding-DNA position 5629, C replaced by T.
Protein change: p.Pro1877Ser; replaces proline 1877 with serine.
Molecular consequence: missense variant.
Genome position (GRCh38, 1-based): chr22:50,447,195, G>A on the plus strand (C>T on the coding strand, the complement: SBF1 is on the minus strand). VCF-style: chr22-50447195-G-A. GRCh37 (hg19) VCF-style: chr22-50885624-G-A.
Other names: c.5554C>T, p.Pro1852Ser (NM_001365819.1); c.5632C>T, p.Pro1878Ser (NM_001410794.1); c.5551C>T, p.Pro1851Ser (NM_001410795.1); c.5629C>T, p.Pro1877Ser (NM_197971.1); short protein forms P1878S, P1851S, P1852S, P1877S.
Identifiers: ClinVar variation 2087170 (VCV002087170.4), dbSNP rs2521719648, ClinGen allele CA412183233.

ClinVar aggregate classification (germline): Uncertain significance (1 of 4 stars; one submission).

Submission:

Labcorp Genetics (formerly Invitae), Labcorp
Classification: Uncertain significance. Last evaluated: 2023-10-03. Review status: criteria provided, single submitter. Criteria: Invitae Variant Classification Sherloc (09022015). Collection method: clinical testing. Allele origin: germline.
Comment: This sequence change replaces proline, which is neutral and non-polar, with serine, which is neutral and polar, at codon 1877 of the SBF1 protein (p.Pro1877Ser). This variant is not present in population databases (gnomAD no frequency). This variant has not been reported in the literature in individuals affected with SBF1-related conditions. ClinVar contains an entry for this variant (Variation ID: 2087170). Advanced modeling of protein sequence and biophysical properties (such as structural, functional, and spatial information, amino acid conservation, physicochemical variation, residue mobility, and thermodynamic stability) performed at Invitae indicates that this missense variant is not expected to disrupt SBF1 protein function. In summary, the available evidence is currently insufficient to determine the role of this variant in disease. Therefore, it has been classified as a Variant of Uncertain Significance.